The following is an entry in ClinVar:

ClinVar aggregate classification (germline): Uncertain significance (1 of 4 stars; one submission).

Conditions:
Autosomal recessive limb-girdle muscular dystrophy type 2J (LGMDR10). Also called: Limb-girdle muscular dystrophy, type 2J; MUSCULAR DYSTROPHY, LIMB-GIRDLE, AUTOSOMAL RECESSIVE 10. Identifiers: Orphanet 140922, MedGen C1837342, MONDO:0012127, OMIM 608807.
Dilated cardiomyopathy 1G (CMD1G). Identifiers: Orphanet 154, MedGen C1858763, MONDO:0011400, OMIM 604145.

Submission:

Labcorp Genetics (formerly Invitae), Labcorp
Classification: Uncertain significance for Dilated cardiomyopathy 1G; Autosomal recessive limb-girdle muscular dystrophy type 2J. Last evaluated: 2025-01-12. Review status: criteria provided, single submitter. Criteria: Invitae Variant Classification Sherloc (09022015). Collection method: clinical testing. Allele origin: germline.
Comment: This sequence change replaces histidine, which is basic and polar, with tyrosine, which is neutral and polar, at codon 34750 of the TTN protein (p.His34750Tyr). This variant is not present in population databases (gnomAD no frequency). This variant has not been reported in the literature in individuals affected with TTN-related conditions. Experimental studies and prediction algorithms are not available or were not evaluated, and the functional significance of this variant is currently unknown. This variant is located in the M band of TTN (PMID: 25589632). Non-truncating variants in this region may be relevant for neuromuscular disorders, but have not been definitively shown to cause cardiomyopathy (PMID: 23975875). In summary, the available evidence is currently insufficient to determine the role of this variant in disease. Therefore, it has been classified as a Variant of Uncertain Significance.

Literature cited by the submitters: PubMed 25589632; PubMed 23975875.

NM_001267550.2(TTN):c.104248C>T (p.His34750Tyr)

Genes: TTN (titin; minus strand), TTN-AS1 (TTN antisense RNA 1; plus strand). Cytogenetic location: 2q31.2.
Variant type: single nucleotide variant.
Coding change: c.104248C>T on transcript NM_001267550.2 (MANE Select); coding-DNA position 104248, C replaced by T.
Protein change: p.His34750Tyr; replaces histidine 34750 with tyrosine.
Molecular consequence: missense variant.
Genome position (GRCh38, 1-based): chr2:178,532,367, G>A on the plus strand (C>T on the coding strand, the complement: TTN is on the minus strand). VCF-style: chr2-178532367-G-A. GRCh37 (hg19) VCF-style: chr2-179397094-G-A.
Other names: c.99325C>T, p.His33109Tyr (NM_001256850.1); c.77053C>T, p.His25685Tyr (NM_003319.4); c.96544C>T, p.His32182Tyr (NM_133378.4); c.77428C>T, p.His25810Tyr (NM_133432.3); c.77629C>T, p.His25877Tyr (NM_133437.4); short protein forms H25685Y, H25810Y, H25877Y, H32182Y, H33109Y, H34750Y.
Identifiers: ClinVar variation 3752428 (VCV003752428.2).